The following is an entry in ClinVar:

ClinVar aggregate classification (germline): Uncertain significance (1 of 4 stars; one submission).

Conditions:
Tuberous sclerosis 2 (TSC2). Identifiers: Orphanet 805, MedGen C1860707, MONDO:0013199, OMIM 613254.

Submission:

Labcorp Genetics (formerly Invitae), Labcorp
Classification: Uncertain significance for Tuberous sclerosis 2. Last evaluated: 2023-03-04. Review status: criteria provided, single submitter. Criteria: Invitae Variant Classification Sherloc (09022015). Collection method: clinical testing. Allele origin: germline.
Comment: In summary, the available evidence is currently insufficient to determine the role of this variant in disease. Therefore, it has been classified as a Variant of Uncertain Significance. Advanced modeling of protein sequence and biophysical properties (such as structural, functional, and spatial information, amino acid conservation, physicochemical variation, residue mobility, and thermodynamic stability) performed at Invitae indicates that this missense variant is not expected to disrupt TSC2 protein function. This variant has not been reported in the literature in individuals affected with TSC2-related conditions. This variant is not present in population databases (gnomAD no frequency). This sequence change replaces serine, which is neutral and polar, with asparagine, which is neutral and polar, at codon 981 of the TSC2 protein (p.Ser981Asn).

NM_000548.5(TSC2):c.2942G>A (p.Ser981Asn)

Gene: TSC2 (TSC complex subunit 2; plus strand). Cytogenetic location: 16p13.3.
Variant type: single nucleotide variant.
Coding change: c.2942G>A on transcript NM_000548.5 (MANE Select); coding-DNA position 2942, G replaced by A.
Protein change: p.Ser981Asn; replaces serine 981 with asparagine.
Molecular consequence: missense variant. On other transcripts: intron variant (31).
Genome position (GRCh38, 1-based): chr16:2,077,702, G>A. VCF-style: chr16-2077702-G-A. GRCh37 (hg19) VCF-style: chr16-2127703-G-A.
Other names: c.2927+1117G>A (NM_001406668.1, NM_001406667.1); c.2237+1117G>A (NM_001406687.1, NM_001406685.1, NM_001318831.2 and 2 more transcripts); c.1493+1117G>A (NM_001406690.1, NM_001406692.1, NM_001406691.1 and 5 more transcripts); c.1235+1117G>A (NM_001406698.1); c.2837+1117G>A (NM_021055.3, NM_001370405.1, NM_001363528.2 and 3 more transcripts); c.2942G>A, p.Ser981Asn (NM_001114382.3, NM_001406663.1, NM_001406664.1); c.2831G>A, p.Ser944Asn (NM_001406670.1); c.2795G>A, p.Ser932Asn (NM_001406675.1, NM_001406676.1); and 8 more; short protein forms S932N, S781N, S533N, S944N, S981N.
Identifiers: ClinVar variation 2842783 (VCV002842783.3), dbSNP rs1596375336, ClinGen allele CA394281454.